The following is an entry in ClinVar:

NM_003764.4(STX11):c.*70G>A

Gene: STX11 (syntaxin 11; plus strand). Cytogenetic location: 6q24.2.
Variant type: single nucleotide variant.
Coding change: c.*70G>A on transcript NM_003764.4 (MANE Select); 70 bases downstream of the stop codon, G replaced by A.
Molecular consequence: 3 prime UTR variant.
Genome position (GRCh38, 1-based): chr6:144,187,561, G>A. VCF-style: chr6-144187561-G-A. GRCh37 (hg19) VCF-style: chr6-144508698-G-A.
Other names: c.*70G>A (LRG_113t1).
Identifiers: ClinVar variation 355606 (VCV000355606.8), dbSNP rs3734228, ClinGen allele CA10625952.

ClinVar aggregate classification (germline): Benign/Likely benign. Review status: criteria provided, multiple submitters, no conflicts (2 of 4 stars). 3 submissions from 3 submitters: Benign (2); Likely benign (1). Last evaluated 2024-11-27.

Conditions:
Familial hemophagocytic lymphohistiocytosis 4 (FHL4). Also called: STX11-Related Familial Hemophagocytic Lymphohistiocytosis (STX11-fHLH). Identifiers: Orphanet 540, MedGen C1863728, MONDO:0011336, OMIM 603552.

Allele frequency attached by ClinVar (database versions not stated): gnomAD exomes 0.06037; gnomAD 0.11488 and 0.11518; TOPMed 0.11904; 1000 Genomes Project 30x 0.15865; 1000 Genomes Project 0.16034.

Submissions (3):

Blueprint Genetics
Classification: Likely benign. Last evaluated: 2024-11-27. Review status: criteria provided, single submitter. Criteria: ACMG Guidelines, 2015. Collection method: clinical testing. Allele origin: germline.

GeneDx
Classification: Benign. Last evaluated: 2019-11-08. Review status: criteria provided, single submitter. Criteria: GeneDx Variant Classification Process June 2021. Collection method: clinical testing. Allele origin: germline. Affected: yes.

Illumina Laboratory Services, Illumina
Classification: Benign for Familial hemophagocytic lymphohistiocytosis 4. Last evaluated: 2018-01-13. Review status: criteria provided, single submitter. Criteria: ICSL Variant Classification Criteria 13 December 2019. Collection method: clinical testing. Allele origin: germline.
Comment: This variant was observed in the ICSL laboratory as part of a predisposition screen in an ostensibly healthy population. It had not been previously curated by ICSL or reported in the Human Gene Mutation Database (HGMD: prior to June 1st, 2018), and was therefore a candidate for classification through an automated scoring system. Utilizing variant allele frequency, disease prevalence and penetrance estimates, and inheritance mode, an automated score was calculated to assess if this variant is too frequent to cause the disease. Based on the score and internal cut-off values, a variant classified as benign is not then subjected to further curation. The score for this variant resulted in a classification of benign for this disease.